The following is an entry in ClinVar:

NM_002872.5(RAC2):c.548G>A (p.Arg183Gln)

Gene: RAC2 (Rac family small GTPase 2; minus strand). Cytogenetic location: 22q13.1.
Variant type: single nucleotide variant.
Coding change: c.548G>A on transcript NM_002872.5 (MANE Select); coding-DNA position 548, G replaced by A.
Protein change: p.Arg183Gln; replaces arginine 183 with glutamine.
Molecular consequence: missense variant.
Genome position (GRCh38, 1-based): chr22:37,226,704, C>T on the plus strand (G>A on the coding strand, the complement: RAC2 is on the minus strand). VCF-style: chr22-37226704-C-T. GRCh37 (hg19) VCF-style: chr22-37622744-C-T.
Other names: short protein forms R183Q.
Identifiers: ClinVar variation 647647 (VCV000647647.7), dbSNP rs770795800, ClinGen allele CA10217456.

ClinVar aggregate classification (germline): Uncertain significance (1 of 4 stars; one submission).

Conditions:
Neutrophil immunodeficiency syndrome. Also called: Immunodeficiency 73A with defective neutrophil chemotaxis and leukocytosis. Identifiers: Orphanet 183707, MedGen C1842398, MONDO:0011988, OMIM 608203.

Allele frequency attached by ClinVar (database versions not stated): gnomAD exomes 0.00001 and 0.00002; ExAC 0.00003.
gnomAD v4.1: 19 of 1,613,008 alleles (0.0012%); highest among the groups gnomAD compares: South Asian, 0.0099%; no homozygotes.

Submission:

Labcorp Genetics (formerly Invitae), Labcorp
Classification: Uncertain significance for Neutrophil immunodeficiency syndrome. Last evaluated: 2022-06-05. Review status: criteria provided, single submitter. Criteria: Invitae Variant Classification Sherloc (09022015). Collection method: clinical testing. Allele origin: germline.
Comment: In summary, the available evidence is currently insufficient to determine the role of this variant in disease. Therefore, it has been classified as a Variant of Uncertain Significance. Advanced modeling of protein sequence and biophysical properties (such as structural, functional, and spatial information, amino acid conservation, physicochemical variation, residue mobility, and thermodynamic stability) performed at Invitae indicates that this missense variant is not expected to disrupt RAC2 protein function. ClinVar contains an entry for this variant (Variation ID: 647647). This variant has not been reported in the literature in individuals affected with RAC2-related conditions. This variant is present in population databases (rs770795800, gnomAD 0.005%). This sequence change replaces arginine, which is basic and polar, with glutamine, which is neutral and polar, at codon 183 of the RAC2 protein (p.Arg183Gln).